The following is an entry in ClinVar:

NM_001366385.1(CARD14):c.2437C>G (p.Leu813Val)

Genes: CARD14 (caspase recruitment domain family member 14; plus strand), SGSH (N-sulfoglucosamine sulfohydrolase; minus strand), LOC126862662 (MED14-independent group 3 enhancer GRCh37_chr17:78178385-78179584; plus strand). Cytogenetic location: 17q25.3.
Variant type: single nucleotide variant.
Coding change: c.2437C>G on transcript NM_001366385.1 (MANE Select); coding-DNA position 2437, C replaced by G.
Protein change: p.Leu813Val; replaces leucine 813 with valine.
Molecular consequence: missense variant. On other transcripts: non-coding transcript variant (1).
Genome position (GRCh38, 1-based): chr17:80,205,073, C>G. VCF-style: chr17-80205073-C-G. GRCh37 (hg19) VCF-style: chr17-78178872-C-G.
Other names: c.2437C>G, p.Leu813Val (NM_024110.4); short protein forms L813V.
Identifiers: ClinVar variation 834513 (VCV000834513.1), dbSNP rs2041212594, ClinGen allele CA401355920.
Genomic context (GRCh38, chr17:80,205,073, plus strand): 5'-CTCAGGATCCTCTCCTCCACAGGCTCCAGCACGTGCTTCTGGGCCGAGAGCTGCCTCACC[C>G]TGGTGCCCTATACCCTGGTGCGGCCCCATCGACCCGCCCGGCCCCGGCCTGTGCTCCTCG-3'
Protein context (NP_001353314.1, residues 803-823): TCFWAESCLT[Leu813Val]VPYTLVRPHR

ClinVar aggregate classification (germline): Uncertain significance (1 of 4 stars; one submission).

Conditions:
Psoriasis 2. Identifiers: MedGen C1864497, MONDO:0011269, OMIM 602723.
Pityriasis rubra pilaris (PRP). Also called: Pityriasis rubra pilaris--familial type. Identifiers: Orphanet 2897, MedGen C0032027, MONDO:0100017, OMIM 173200, MONDO:0008251.

Submission:

Labcorp Genetics (formerly Invitae), Labcorp
Classification: Uncertain significance for Pityriasis rubra pilaris; Psoriasis susceptibility 2. Last evaluated: 2019-12-17. Review status: criteria provided, single submitter. Criteria: Invitae Variant Classification Sherloc (09022015). Collection method: clinical testing. Allele origin: germline.
Comment: This sequence change replaces leucine with valine at codon 813 of the CARD14 protein (p.Leu813Val). The leucine residue is highly conserved and there is a small physicochemical difference between leucine and valine. This variant is not present in population databases (ExAC no frequency). This variant has not been reported in the literature in individuals with CARD14-related conditions. Algorithms developed to predict the effect of missense changes on protein structure and function (SIFT, PolyPhen-2, Align-GVGD) all suggest that this variant is likely to be disruptive, but these predictions have not been confirmed by published functional studies and their clinical significance is uncertain. In summary, the available evidence is currently insufficient to determine the role of this variant in disease. Therefore, it has been classified as a Variant of Uncertain Significance.